The following is an entry in ClinVar:

ClinVar aggregate classification (germline): Uncertain significance (1 of 4 stars; one submission).

Conditions:
Charcot-Marie-Tooth disease X-linked dominant 6. Also called: CHARCOT-MARIE-TOOTH NEUROPATHY, X-LINKED DOMINANT, 6. Identifiers: Orphanet 352675, MedGen C3806702, MONDO:0010479, OMIM 300905.

Allele frequency attached by ClinVar (database versions not stated): gnomAD exomes 0.00001.
gnomAD v4.1: 6 of 1,118,190 alleles (0.00054%); highest among the groups gnomAD compares: Non-Finnish European, 0.00072%; no homozygotes.

Submission:

Labcorp Genetics (formerly Invitae), Labcorp
Classification: Uncertain significance for Charcot-Marie-Tooth disease X-linked dominant 6. Last evaluated: 2023-07-13. Review status: criteria provided, single submitter. Criteria: Invitae Variant Classification Sherloc (09022015). Collection method: clinical testing. Allele origin: germline.
Comment: In summary, the available evidence is currently insufficient to determine the role of this variant in disease. Therefore, it has been classified as a Variant of Uncertain Significance. Advanced modeling of protein sequence and biophysical properties (such as structural, functional, and spatial information, amino acid conservation, physicochemical variation, residue mobility, and thermodynamic stability) performed at Invitae indicates that this missense variant is not expected to disrupt PDK3 protein function. This variant has not been reported in the literature in individuals affected with PDK3-related conditions. This variant is not present in population databases (gnomAD no frequency). This sequence change replaces aspartic acid, which is acidic and polar, with asparagine, which is neutral and polar, at codon 106 of the PDK3 protein (p.Asp106Asn).

NM_005391.5(PDK3):c.316G>A (p.Asp106Asn)

Gene: PDK3 (pyruvate dehydrogenase kinase 3; plus strand). Cytogenetic location: Xp22.11.
Variant type: single nucleotide variant.
Coding change: c.316G>A on transcript NM_005391.5 (MANE Select); coding-DNA position 316, G replaced by A.
Protein change: p.Asp106Asn; replaces aspartic acid 106 with asparagine.
Molecular consequence: missense variant.
Genome position (GRCh38, 1-based): chrX:24,498,896, G>A. VCF-style: chrX-24498896-G-A. GRCh37 (hg19) VCF-style: chrX-24517013-G-A.
Other names: c.316G>A, p.Asp106Asn (NM_001142386.3); short protein forms D106N.
Identifiers: ClinVar variation 2975212 (VCV002975212.3), dbSNP rs2518577042, ClinGen allele CA412604598.
Genomic context (GRCh38, chrX:24,498,896, plus strand): 5'-CAGAGTTTTCTTGAACTTTTAGAATATGAAAATAAGAGCCCTGAGGATCCACAGGTCTTG[G>A]ATAAGTAAGTATGGTACCACTTAGCTGAAAGTAAAAATATCTAGGTAAGAAAGATTTTGG-3'
Protein context (NP_005382.1, residues 96-116): NKSPEDPQVL[Asp106Asn]NFLQVLIKVR